The following is an entry in ClinVar:

ClinVar aggregate classification (germline): Uncertain significance. Review status: criteria provided, multiple submitters, no conflicts (2 of 4 stars). 3 submissions from 3 submitters: Uncertain significance (3). Last evaluated 2026-05-04.

Conditions:
DST-related disorder. Also called: DST-related condition; DST-related disorders.
Hereditary sensory and autonomic neuropathy type 6. Also called: HSAN VI; Neuropathy, hereditary sensory and autonomic, type VI. Identifiers: Orphanet 314381, MedGen C3539003, MONDO:0013839, OMIM 614653.
Epidermolysis bullosa simplex 3, localized or generalized intermediate, with BP230 deficiency (EBS3). Also called: Epidermolysis bullosa simplex, autosomal recessive 2; Epidermolysis bullosa simplex due to BP230 deficiency. Identifiers: Orphanet 412181, MedGen C3809470, MONDO:0014180, OMIM 615425.

Allele frequency attached by ClinVar (database versions not stated): ExAC 0.00002; gnomAD 0.00002 and 0.00003; gnomAD exomes 0.00003; TOPMed 0.00005.
gnomAD v4.1: 43 of 1,612,840 alleles (0.0027%); highest among the groups gnomAD compares: Middle Eastern, 0.016%; no homozygotes.

Submissions (3):

Women's Health and Genetics/Laboratory Corporation of America, LabCorp
Classification: Uncertain significance. Last evaluated: 2026-05-04. Review status: criteria provided, single submitter. Criteria: LabCorp Variant Classification Summary - May 2015. Collection method: clinical testing. Allele origin: germline.
Comment: Variant summary: DST c.3070G>A (p.Glu1024Lys) results in a conservative amino acid change in the encoded protein sequence. Algorithms developed to predict the effect of missense changes on protein structure and function are either unavailable or do not agree on the potential impact of this missense change. The variant allele was found at a frequency of 2.8e-05 in 251042 control chromosomes. The available data on variant occurrences in the general population are insufficient to allow any conclusion about variant significance. c.3070G>A has been observed in at least one individual affected with a DST-related condition (Internal data). These data do not allow any conclusion about variant significance. To our knowledge, no experimental evidence demonstrating an impact on protein function has been reported. ClinVar contains an entry for this variant (Variation ID: 842459). Based on the evidence outlined above, the variant was classified as uncertain significance.

PreventionGenetics, part of Exact Sciences
Classification: Uncertain significance for DST-related condition. Last evaluated: 2025-12-23. Review status: criteria provided, single submitter. Criteria: ACMG Guidelines, 2015. Collection method: clinical testing. Allele origin: germline.
Comment: The DST c.3070G>A variant is predicted to result in the amino acid substitution p.Glu1024Lys. To our knowledge, this variant has not been reported in the literature. This variant is reported in 0.010% of alleles in individuals of East Asian descent in gnomAD. At this time, the clinical significance of this variant is uncertain due to the absence of conclusive functional and genetic evidence.

Labcorp Genetics (formerly Invitae), Labcorp
Classification: Uncertain significance for Epidermolysis bullosa simplex 3, localized or generalized intermediate, with BP230 deficiency; Hereditary sensory and autonomic neuropathy type 6. Last evaluated: 2022-07-27. Review status: criteria provided, single submitter. Criteria: Invitae Variant Classification Sherloc (09022015). Collection method: clinical testing. Allele origin: germline.
Comment: This sequence change replaces glutamic acid, which is acidic and polar, with lysine, which is basic and polar, at codon 1024 of the DST protein (p.Glu1024Lys). This variant is present in population databases (rs201561540, gnomAD 0.01%). This missense change has been observed in individual(s) with clinical features of DST-related conditions (Invitae). ClinVar contains an entry for this variant (Variation ID: 842459). Algorithms developed to predict the effect of missense changes on protein structure and function (SIFT, PolyPhen-2, Align-GVGD) all suggest that this variant is likely to be disruptive. In summary, the available evidence is currently insufficient to determine the role of this variant in disease. Therefore, it has been classified as a Variant of Uncertain Significance.

NM_001374736.1(DST):c.4681G>A (p.Glu1561Lys)

Gene: DST (dystonin; minus strand). Cytogenetic location: 6p12.1.
Variant type: single nucleotide variant.
Coding change: c.4681G>A on transcript NM_001374736.1 (MANE Select); coding-DNA position 4681, G replaced by A.
Protein change: p.Glu1561Lys; replaces glutamic acid 1561 with lysine.
Molecular consequence: missense variant.
Genome position (GRCh38, 1-based): chr6:56,627,245, C>T on the plus strand (G>A on the coding strand, the complement: DST is on the minus strand). VCF-style: chr6-56627245-C-T. GRCh37 (hg19) VCF-style: chr6-56492043-C-T.
Other names: c.4582G>A, p.Glu1528Lys (NM_001144769.5); c.4168G>A, p.Glu1390Lys (NM_001144770.2); c.4681G>A, p.Glu1561Lys (NM_001374722.1); c.4048G>A, p.Glu1350Lys (NM_001374729.1, NM_001374730.1, NM_001386100.1 and 1 more transcripts); c.4708G>A, p.Glu1570Lys (NM_001374734.1); c.3070G>A, p.Glu1024Lys (NM_001723.7, NM_015548.5); short protein forms E1528K, E1390K, E1350K, E1561K, E1570K, E1024K.
Identifiers: ClinVar variation 842459 (VCV000842459.9), dbSNP rs201561540, ClinGen allele CA3870836.
Genomic context (GRCh38, chr6:56,627,245, plus strand): 5'-AGTTAATGAATCTTCCTACCTTCACTGTAGCTGAGTACTGTTCTGCATATTTTTGACACT[C>T]GTCCATTTTGCTCTGTTTCATTTCTATTTCGGACACCAGCATCTATAAATATACACAGTT-3'
Protein context (NP_001361665.1, residues 1551-1571): EIEMKQSKMD[Glu1561Lys]CQKYAEQYSA